The following is an entry in ClinVar:

ClinVar aggregate classification (germline): Likely pathogenic (1 of 4 stars; one submission).

Conditions:
Junctional epidermolysis bullosa. Identifiers: Orphanet 305, MedGen C0079301, MONDO:0017612.

gnomAD v4.1: 1 of 1,613,266 alleles (0.000062%); highest among the groups gnomAD compares: African/African-American, 0.0013%; no homozygotes.

Submission:

Myriad Genetics, Inc.
Classification: Likely pathogenic for Junctional epidermolysis bullosa. Last evaluated: 2025-04-16. Review status: criteria provided, single submitter. Criteria: Myriad Autosomal Dominant, Autosomal Recessive and X-Linked Classification Criteria (2023). Collection method: clinical testing. Allele origin: unknown.
Comment: NM_000227.3(LAMA3):c.2818-1G>A is a variant in a canonical splice site classified as likely pathogenic in the context of junctional epidermolysis bullosa, LAMA3-related. c.2818-1G>A has not been observed in cases with relevant disease. Relevant functional assessments of this variant are not available in the literature. c.2818-1G>A has not been observed in referenced population frequency databases. In summary, NM_000227.3(LAMA3):c.2818-1G>A is a variant in a canonical splice site in a gene where loss of function is a known mechanism of disease and is predicted to disrupt protein function. Please note: this variant was assessed in the context of healthy population screening.

NM_198129.4(LAMA3):c.7645-1G>A

Gene: LAMA3 (laminin subunit alpha 3; plus strand). Cytogenetic location: 18q11.2.
Variant type: single nucleotide variant.
Coding change: c.7645-1G>A on transcript NM_198129.4 (MANE Select); the canonical splice acceptor site of the intron before coding-DNA position 7645, G replaced by A.
Molecular consequence: splice acceptor variant.
Genome position (GRCh38, 1-based): chr18:23,915,288, G>A. VCF-style: chr18-23915288-G-A. GRCh37 (hg19) VCF-style: chr18-21495252-G-A.
Other names: c.7477-1G>A (NM_001127717.4); c.2818-1G>A (NM_000227.6); c.2650-1G>A (NM_001127718.4).
Identifiers: ClinVar variation 4081716 (VCV004081716.1).
Genomic context (GRCh38, chr18:23,915,288, plus strand): 5'-GATACTATTTTGATTATTGTCCTTTGTTCAATTGGTGGAAGATGTTTTATTTCATTTTCA[G>A]CTTCCCAGTCGACTAAGTTTCCCTCCATACAAAGGTTGTATTGAATTAGATGACCTCAAT-3'